The following is an entry in ClinVar:

NM_000126.4(ETFA):c.11C>T (p.Ala4Val)

Gene: ETFA (electron transfer flavoprotein subunit alpha; minus strand). Cytogenetic location: 15q24.3.
Variant type: single nucleotide variant.
Coding change: c.11C>T on transcript NM_000126.4 (MANE Select); coding-DNA position 11, C replaced by T.
Protein change: p.Ala4Val; replaces alanine 4 with valine.
Molecular consequence: missense variant.
Genome position (GRCh38, 1-based): chr15:76,311,378, G>A on the plus strand (C>T on the coding strand, the complement: ETFA is on the minus strand). VCF-style: chr15-76311378-G-A. GRCh37 (hg19) VCF-style: chr15-76603719-G-A.
Other names: c.11C>T, p.Ala4Val (NM_001127716.2); short protein forms A4V.
Identifiers: ClinVar variation 1377769 (VCV001377769.3), dbSNP rs761552468, ClinGen allele CA7673899.

ClinVar aggregate classification (germline): Uncertain significance (1 of 4 stars; one submission).

Conditions:
Multiple acyl-CoA dehydrogenase deficiency (MADD). Also called: Glutaric acidemia type II; GA 2; Glutaric Acidemia type 2; Glutaric aciduria, type 2; ETHYLMALONIC-ADIPICACIDURIA; GA II. Identifiers: Orphanet 26791, MedGen C0268596, MONDO:0009282, OMIM 231680.

Allele frequency attached by ClinVar (database versions not stated): gnomAD 0.00009.
gnomAD v4.1: 25 of 1,563,808 alleles (0.0016%); highest among the groups gnomAD compares: African/African-American, 0.018%; no homozygotes.

Submission:

Labcorp Genetics (formerly Invitae), Labcorp
Classification: Uncertain significance for Multiple acyl-CoA dehydrogenase deficiency. Last evaluated: 2022-03-14. Review status: criteria provided, single submitter. Criteria: Invitae Variant Classification Sherloc (09022015). Collection method: clinical testing. Allele origin: germline.
Comment: This sequence change replaces alanine, which is neutral and non-polar, with valine, which is neutral and non-polar, at codon 4 of the ETFA protein (p.Ala4Val). This variant is present in population databases (rs761552468, gnomAD 0.02%). This variant has not been reported in the literature in individuals affected with ETFA-related conditions. Algorithms developed to predict the effect of missense changes on protein structure and function output the following: SIFT: "Deleterious"; PolyPhen-2: "Benign"; Align-GVGD: "Class C0". The valine amino acid residue is found in multiple mammalian species, which suggests that this missense change does not adversely affect protein function. In summary, the available evidence is currently insufficient to determine the role of this variant in disease. Therefore, it has been classified as a Variant of Uncertain Significance.